The following is an entry in ClinVar:

NM_000166.6(GJB1):c.386G>A (p.Gly129Glu)

Gene: GJB1 (gap junction protein beta 1; plus strand). Cytogenetic location: Xq13.1.
Variant type: single nucleotide variant.
Coding change: c.386G>A on transcript NM_000166.6 (MANE Select); coding-DNA position 386, G replaced by A.
Protein change: p.Gly129Glu; replaces glycine 129 with glutamic acid.
Molecular consequence: missense variant.
Genome position (GRCh38, 1-based): chrX:71,224,093, G>A. VCF-style: chrX-71224093-G-A. GRCh37 (hg19) VCF-style: chrX-70443943-G-A.
Other names: chrX-71224093-G-A; p.Gly129Glu; c.386G>A, p.Gly129Glu (NM_001097642.3); short protein forms G129E.
Identifiers: ClinVar variation 812154 (VCV000812154.30), dbSNP rs1602349280, ClinGen allele CA413502116.

ClinVar aggregate classification (germline): Conflicting classifications of pathogenicity. Review status: criteria provided, conflicting classifications (1 of 4 stars). 5 submissions from 5 submitters: Pathogenic (1); Likely pathogenic (2); Uncertain significance (2). Last evaluated 2025-01-29.

Conditions:
Cerebellar ataxia. Identifiers: Orphanet 102002, MedGen C0007758, MONDO:0000437.
Charcot-Marie-Tooth disease X-linked dominant 1. Also called: X-linked Charcot-Marie-Tooth disease type 1; GJB1 Disorders: Charcot-Marie-Tooth Neuropathy (CMT1X) and Central Nervous System Phenotypes; CHARCOT-MARIE-TOOTH NEUROPATHY, X-LINKED, 1; CHARCOT-MARIE-TOOTH PERONEAL MUSCULAR ATROPHY, X-LINKED; HEREDITARY MOTOR AND SENSORY NEUROPATHY, X-LINKED; HMSN, X-LINKED. Identifiers: Orphanet 101075, MedGen C0393808, MONDO:0010549, OMIM 302800.
Charcot-Marie-Tooth Neuropathy X. Identifiers: MedGen CN118851.

Submissions (5):

Human Genetics Bochum, Ruhr University Bochum
Classification: Likely pathogenic for Charcot-Marie-Tooth disease X-linked dominant 1. Last evaluated: 2025-01-29. Review status: criteria provided, single submitter. Criteria: ACMG Guidelines, 2015. Collection method: clinical testing. Allele origin: germline. Affected: yes.
Comment: ACMG criteria used to clasify this variant: PM1, PP2, PM2_sup, PP1, PP3_mod

Labcorp Genetics (formerly Invitae), Labcorp
Classification: Pathogenic for Charcot-Marie-Tooth Neuropathy X. Last evaluated: 2024-05-20. Review status: criteria provided, single submitter. Criteria: Invitae Variant Classification Sherloc (09022015). Collection method: clinical testing. Allele origin: germline.
Comment: This sequence change replaces glycine, which is neutral and non-polar, with glutamic acid, which is acidic and polar, at codon 129 of the GJB1 protein (p.Gly129Glu). This variant is not present in population databases (gnomAD no frequency). This missense change has been observed in individual(s) with clinical features of Charcot-Marie-Tooth disease (Invitae). In at least one individual the variant was observed to be de novo. ClinVar contains an entry for this variant (Variation ID: 812154). Advanced modeling of protein sequence and biophysical properties (such as structural, functional, and spatial information, amino acid conservation, physicochemical variation, residue mobility, and thermodynamic stability) performed at Invitae indicates that this missense variant is expected to disrupt GJB1 protein function with a positive predictive value of 80%. For these reasons, this variant has been classified as Pathogenic.

Laboratório de Neurologia Aplicada e Experimental, Faculdade de Medicina de Ribeirao Preto – Universidade de Sao Paulo
Classification: Likely pathogenic for Charcot-Marie-Tooth disease X-linked dominant 1. Last evaluated: 2021-07-20. Review status: criteria provided, single submitter. Criteria: ACMG Guidelines, 2015. Collection method: research. Allele origin: germline. Inheritance: X-linked inheritance. Affected: yes. Observed: 2 variant alleles, 1 heterozygote, 1 hemizygote.
Comment: The c.386G>A (p.Gly129Glu) variant in the GJB1 gene has not been described in the literature to our knowledge. This variant is not present in the population database (GnomAD and ABraOM), suggesting it is not a common benign variant in these populations. This variant replaces glycine with glutamic acid at codon 129 of the GJB1 protein, a hot spot region that is highly conserved across different species. Additionally, several missense variant in the adjacent amino acid (p.His126Tyr; p.Ile127Phe; p.Ile127Asn; p.Ile127Ser; p.Ile127Met; p.Ser128Pro; p.Ser128Ter; p.Ser128Leu; p.Thr130Ile; p.Leu131Pro; p.Leu131Arg) has been reported as pathogenic in several families with GJB1-related disorders, supporting the functional importance of this region of the protein (PMID: 28768847; PMID: 20193560; PMID: 15468313; PMID: 9818870; PMID: 9361298; PMID: 18717720; PMID: 23384994; PMID: 11438991; PMID: 11571214; PMID: 9818870;). Besides that, this variant segregates with family phenotype in an X-linked recessive inheritance. In summary, the p.Gly129Glu meets our criteria to be classified as likely pathogenic.

Athena Diagnostics
Classification: Uncertain significance. Last evaluated: 2020-09-01. Review status: criteria provided, single submitter. Criteria: Athena Diagnostics criteria. Collection method: clinical testing. Allele origin: unknown.

MVZ Martinsried, Medicover Genetics
Classification: Uncertain significance for Ataxia. Last evaluated: 2019-05-08. Review status: criteria provided, single submitter. Criteria: ACMG Guidelines, 2015. Collection method: clinical testing. Allele origin: unknown. Affected: yes.

Literature cited by the submitters: PubMed 28768847 (cited by Laboratório de Neurologia Aplicada e Experimental, Faculdade de Medicina de Ribeirao Preto – Universidade de Sao Paulo); PubMed 20193560 (cited by Laboratório de Neurologia Aplicada e Experimental, Faculdade de Medicina de Ribeirao Preto – Universidade de Sao Paulo); PubMed 15468313 (cited by Laboratório de Neurologia Aplicada e Experimental, Faculdade de Medicina de Ribeirao Preto – Universidade de Sao Paulo); PubMed 9818870 (cited by Laboratório de Neurologia Aplicada e Experimental, Faculdade de Medicina de Ribeirao Preto – Universidade de Sao Paulo); PubMed 9361298 (cited by Laboratório de Neurologia Aplicada e Experimental, Faculdade de Medicina de Ribeirao Preto – Universidade de Sao Paulo); PubMed 18717720 (cited by Laboratório de Neurologia Aplicada e Experimental, Faculdade de Medicina de Ribeirao Preto – Universidade de Sao Paulo); PubMed 23384994 (cited by Laboratório de Neurologia Aplicada e Experimental, Faculdade de Medicina de Ribeirao Preto – Universidade de Sao Paulo); PubMed 11438991 (cited by Laboratório de Neurologia Aplicada e Experimental, Faculdade de Medicina de Ribeirao Preto – Universidade de Sao Paulo); PubMed 11571214 (cited by Laboratório de Neurologia Aplicada e Experimental, Faculdade de Medicina de Ribeirao Preto – Universidade de Sao Paulo).